The following is an entry in ClinVar:

ClinVar aggregate classification (germline): Uncertain significance (1 of 4 stars; one submission).

Conditions:
Gamma-aminobutyric acid transaminase deficiency (GABATD). Also called: GABA transaminase deficiency; Gamma aminobutyrate transaminase deficiency; 4 alpha aminobutyrate transaminase deficiency; GABA aminotransaminase deficiency. Identifiers: Orphanet 2066, MedGen C0342708, MONDO:0013166, OMIM 613163.

Submission:

Labcorp Genetics (formerly Invitae), Labcorp
Classification: Uncertain significance for Gamma-aminobutyric acid transaminase deficiency. Last evaluated: 2022-01-14. Review status: criteria provided, single submitter. Criteria: Invitae Variant Classification Sherloc (09022015). Collection method: clinical testing. Allele origin: germline.
Comment: This sequence change replaces leucine, which is neutral and non-polar, with valine, which is neutral and non-polar, at codon 455 of the ABAT protein (p.Leu455Val). This variant is not present in population databases (gnomAD no frequency). This variant has not been reported in the literature in individuals affected with ABAT-related conditions. ClinVar contains an entry for this variant (Variation ID: 460323). Algorithms developed to predict the effect of missense changes on protein structure and function (SIFT, PolyPhen-2, Align-GVGD) all suggest that this variant is likely to be tolerated. In summary, the available evidence is currently insufficient to determine the role of this variant in disease. Therefore, it has been classified as a Variant of Uncertain Significance.

NM_020686.6(ABAT):c.1363T>G (p.Leu455Val)

Gene: ABAT (4-aminobutyrate aminotransferase; plus strand). Cytogenetic location: 16p13.2.
Variant type: single nucleotide variant.
Coding change: c.1363T>G on transcript NM_020686.6 (MANE Select); coding-DNA position 1363, T replaced by G.
Protein change: p.Leu455Val; replaces leucine 455 with valine.
Molecular consequence: missense variant. On other transcripts: intron variant (1).
Genome position (GRCh38, 1-based): chr16:8,779,572, T>G. VCF-style: chr16-8779572-T-G. GRCh37 (hg19) VCF-style: chr16-8873429-T-G.
Other names: c.1363T>G, p.Leu455Val (NM_000663.5, NM_001127448.2, NM_001386600.1 and 5 more transcripts); c.1324T>G, p.Leu442Val (NM_001386605.1); c.1300T>G, p.Leu434Val (NM_001386606.1, NM_001386607.1); c.1270T>G, p.Leu424Val (NM_001386608.1); c.1228T>G, p.Leu410Val (NM_001386610.1, NM_001386611.1); c.1165T>G, p.Leu389Val (NM_001386612.1, NM_001386613.1); c.1117T>G, p.Leu373Val (NM_001386614.1); c.1459T>G, p.Leu487Val (NM_001386615.1); and 1 more; short protein forms L455V, L373V, L389V, L410V, L424V, L434V, L442V, L487V.
Identifiers: ClinVar variation 460323 (VCV000460323.9), dbSNP rs1555493999, ClinGen allele CA394690712.
Genomic context (GRCh38, chr16:8,779,572, plus strand): 5'-GGACGAGGCACCTTTTGCTCCTTCGATACTCCCGATGATTCCATACGGAATAAGCTCATT[T>G]TAATTGCCAGAAACAAAGGTAAGGGGTCAGGAGTGGCTGCTGAGTTTCATGAGCATCCAG-3'
Protein context (NP_065737.2, residues 445-465): PDDSIRNKLI[Leu455Val]IARNKGVVLG